The following is an entry in ClinVar:

NM_020778.4:c.9G>A

Gene: ALPK3 (alpha kinase 3; plus strand).
Variant type: single nucleotide variant.
Other names: p.Val3=.
Identifiers: ClinVar variation 4684018 (VCV004684018.2), dbSNP rs28408840.

ClinVar aggregate classification (germline): Likely benign. Review status: criteria provided, multiple submitters, no conflicts (2 of 4 stars). 2 submissions from 2 submitters: Likely benign (2). Last evaluated 2026-03-27.

Submissions (2):

Molecular Diagnostic Laboratory for Inherited Cardiovascular Disease, Montreal Heart Institute
Classification: Likely benign. Last evaluated: 2026-03-27. Review status: criteria provided, single submitter. Criteria: ACMG Guidelines, 2015. Collection method: clinical testing. Allele origin: germline. Affected: no.
Comment: BS1

Mayo Clinic Laboratories, Mayo Clinic
Classification: Likely benign. Last evaluated: 2025-05-10. Review status: criteria provided, single submitter. Criteria: ACMG Guidelines, 2015. Collection method: clinical testing. Allele origin: germline. Observed: 2 variant alleles.
Comment: BS1, BS2_supporting, BP4, BP7